The following is an entry in ClinVar:

ClinVar aggregate classification (germline): Likely pathogenic (1 of 4 stars; one submission).

Conditions:
46,xx sex reversal 5. Identifiers: MedGen C5394441, MONDO:0030049, OMIM 618901.

Submission:

Molecular Genetics Department, Kulakov National Medical Research Center for Obstetrics, Gynecology and Perinatology
Classification: Likely pathogenic for 46,xx sex reversal 5. Review status: criteria provided, single submitter. Criteria: ACMG Guidelines, 2015. Collection method: clinical testing. Allele origin: germline. Affected: yes.
Comment: A previously undescribed nucleotide variant creates a frameshift p.Lys389Ter in the NR2F2 gene. Loss-of-function variants are reported in patients with 46,XX sex reversal 5, 618901. The variant is not present in population database (gnomAD no frequency). In summary, the currently available evidence indicates that the variant is pathogenic, but additional data are needed to prove that conclusively. Therefore, this variant has been classified as likely pathogenic.

NM_021005.4(NR2F2):c.1164dup (p.Lys389Ter)

Gene: NR2F2 (nuclear receptor subfamily 2 group F member 2; plus strand). Cytogenetic location: 15q26.2.
Variant type: Duplication.
Coding change: c.1164dup on transcript NM_021005.4 (MANE Select); coding-DNA position 1164, one base duplicated (T; older notation c.1164dupT).
Protein change: p.Lys389Ter; replaces lysine 389 with a stop codon.
Molecular consequence: nonsense.
Genome position (GRCh38, 1-based): chr15:96,337,541, T duplicated. VCF-style (leftmost placement, unchanged base first): chr15-96337540-G-GT. GRCh37 (hg19) VCF-style: chr15-96880769-G-GT.
Other names: c.765dup, p.Lys256Ter (NM_001145155.2); c.705dup, p.Lys236Ter (NM_001145156.1, NM_001145157.2); short protein forms K236*, K256*, K389*.
Identifiers: ClinVar variation 3062234 (VCV003062234.1), dbSNP rs2505780323, ClinGen allele CA2740096787.